The following is an entry in ClinVar:

NM_000548.5(TSC2):c.735C>T (p.Arg245=)

Gene: TSC2 (TSC complex subunit 2; plus strand). Cytogenetic location: 16p13.3.
Variant type: single nucleotide variant.
Coding change: c.735C>T on transcript NM_000548.5 (MANE Select); coding-DNA position 735, C replaced by T.
Protein change: p.Arg245=; no amino-acid change (arginine 245 retained).
Molecular consequence: synonymous variant.
Genome position (GRCh38, 1-based): chr16:2,056,730, C>T. VCF-style: chr16-2056730-C-T. GRCh37 (hg19) VCF-style: chr16-2106731-C-T.
Other names: c.735C>T, p.Arg245= (NM_001077183.3, NM_001114382.3, NM_001363528.2 and 3 more transcripts); c.624C>T, p.Arg208= (NM_001318827.2); c.588C>T, p.Arg196= (NM_001318829.2); c.135C>T, p.Arg45= (NM_001318831.2); c.768C>T, p.Arg256= (NM_001318832.2); c.735C>T (NM_000548.4).
Identifiers: ClinVar variation 413669 (VCV000413669.19), dbSNP rs763419528, ClinGen allele CA056266.

ClinVar aggregate classification (germline): Benign/Likely benign. Review status: criteria provided, multiple submitters, no conflicts (2 of 4 stars). 6 submissions from 6 submitters: Benign (1); Likely benign (4). 1 of the submissions does not count toward it. Last evaluated 2025-12-29.

Conditions:
TSC2-related disorder. Also called: TSC2-related condition; TSC2-Related Disorders.
Hereditary cancer-predisposing syndrome. Also called: Tumor predisposition; Neoplastic Syndromes, Hereditary; Hereditary Cancer Syndrome; Hereditary neoplastic syndrome. Identifiers: Orphanet 140162, MedGen C0027672, MeSH D009386, MONDO:0015356.
Tuberous sclerosis syndrome (TSC). Also called: Tuberous Sclerosis Complex; Tuberous sclerosis. Identifiers: Orphanet 805, MedGen C0041341, MONDO:0001734.
Tuberous sclerosis 2 (TSC2). Identifiers: Orphanet 805, MedGen C1860707, MONDO:0013199, OMIM 613254.

Allele frequency attached by ClinVar (database versions not stated): ExAC 0.00001; gnomAD exomes 0.00001; gnomAD 0.00002; TOPMed 0.00004.
gnomAD v4.1: 17 of 1,611,860 alleles (0.0011%); highest among the groups gnomAD compares: Middle Eastern, 0.016%; no homozygotes.

Submissions (6):

Labcorp Genetics (formerly Invitae), Labcorp
Classification: Likely benign for Tuberous sclerosis 2. Last evaluated: 2025-12-29. Review status: criteria provided, single submitter. Criteria: Invitae Variant Classification Sherloc (09022015). Collection method: clinical testing. Allele origin: germline.

Myriad Genetics, Inc.
Classification: Benign for Tuberous sclerosis 2. Last evaluated: 2025-05-09. Review status: criteria provided, single submitter. Criteria: Myriad Autosomal Dominant, Autosomal Recessive and X-Linked Classification Criteria (2023). Collection method: clinical testing. Allele origin: unknown.
Comment: This variant is considered benign. This variant is a silent/synonymous amino acid change and it is not expected to impact splicing.

All of Us Research Program, National Institutes of Health
Classification: Likely benign for Tuberous sclerosis syndrome. Last evaluated: 2023-11-20. Review status: criteria provided, single submitter. Criteria: ACMG Guidelines, 2015. Collection method: clinical testing. Allele origin: germline. Inheritance: Autosomal dominant inheritance. Observed: 2 variant alleles, 2 heterozygotes.
Comment: This study involves interpretation of variants in research participants for the purpose of population health screening. Participant phenotype was not available at the time of variant classification. Additional details can be found in publication PMID: 35346344, PMCID: PMC8962531

Sema4
Classification: Likely benign for Hereditary cancer-predisposing syndrome. Last evaluated: 2021-08-24. Review status: criteria provided, single submitter. Criteria: Sema4 Curation Guidelines. Collection method: curation. Allele origin: germline.

Ambry Genetics
Classification: Likely benign for Hereditary cancer-predisposing syndrome. Last evaluated: 2021-03-16. Review status: criteria provided, single submitter. Criteria: Ambry Variant Classification Scheme 2023. Collection method: clinical testing. Allele origin: germline.

PreventionGenetics, part of Exact Sciences
Classification: Likely benign for TSC2-related condition. Last evaluated: 2024-03-20. Review status: no assertion criteria provided. Collection method: clinical testing. Allele origin: germline. Not counted in ClinVar's aggregate classification.
Comment: This variant is classified as likely benign based on ACMG/AMP sequence variant interpretation guidelines (Richards et al. 2015 PMID: 25741868, with internal and published modifications).